The following is an entry in ClinVar:

NM_000260.4(MYO7A):c.1191C>T (p.Ala397=)

Gene: MYO7A (myosin VIIA; plus strand). Cytogenetic location: 11q13.5.
Variant type: single nucleotide variant.
Coding change: c.1191C>T on transcript NM_000260.4 (MANE Select); coding-DNA position 1191, C replaced by T.
Protein change: p.Ala397=; no amino-acid change (alanine 397 retained).
Molecular consequence: synonymous variant.
Genome position (GRCh38, 1-based): chr11:77,160,273, C>T. VCF-style: chr11-77160273-C-T. GRCh37 (hg19) VCF-style: chr11-76871319-C-T.
Other names: c.1191C>T, p.Ala397= (NM_001127180.2); c.1158C>T, p.Ala386= (NM_001369365.1); c.1191C>T (NM_000260.3).
Identifiers: ClinVar variation 990564 (VCV000990564.11), dbSNP rs557165173, ClinGen allele CA6197405.

ClinVar aggregate classification (germline): Likely benign. Review status: criteria provided, multiple submitters, no conflicts (2 of 4 stars). 3 submissions from 3 submitters: Likely benign (2). 1 of the submissions does not count toward it. Last evaluated 2025-05-22.

Conditions:
MYO7A-related disorder. Also called: MYO7A-related disorders.
Usher syndrome type 1B (USH1B). Also called: Usher syndrome type IB. Identifiers: MedGen C1848638, MONDO:0700087.

Allele frequency attached by ClinVar (database versions not stated): TOPMed 0.00007; ExAC 0.00008; 1000 Genomes Project 30x 0.00016; 1000 Genomes Project 0.00020.
gnomAD v4.1: 16 of 1,563,390 alleles (0.001%); highest among the groups gnomAD compares: African/African-American, 0.02%; no homozygotes.

Submissions (3):

PreventionGenetics, part of Exact Sciences
Classification: Likely benign for MYO7A-related condition. Last evaluated: 2025-05-22. Review status: criteria provided, single submitter. Criteria: ACMG Guidelines, 2015. Collection method: clinical testing. Allele origin: germline.
Comment: This variant is classified as likely benign based on ACMG/AMP sequence variant interpretation guidelines (Richards et al. 2015 PMID: 25741868, with internal and published modifications).

Labcorp Genetics (formerly Invitae), Labcorp
Classification: Likely benign. Last evaluated: 2025-04-10. Review status: criteria provided, single submitter. Criteria: Invitae Variant Classification Sherloc (09022015). Collection method: clinical testing. Allele origin: germline.

Natera, Inc.
Classification: Uncertain significance for Usher syndrome type 1B. Last evaluated: 2020-04-16. Review status: no assertion criteria provided. Collection method: clinical testing. Allele origin: germline. Not counted in ClinVar's aggregate classification.